The following is an entry in ClinVar:

NM_001271049.2(CFAP221):c.1311+7A>G

Gene: CFAP221 (cilia and flagella associated protein 221; plus strand). Cytogenetic location: 2q14.2.
Variant type: single nucleotide variant.
Coding change: c.1311+7A>G on transcript NM_001271049.2 (MANE Select); 7 bases into the intron after coding-DNA position 1311, A replaced by G.
Molecular consequence: intron variant.
Genome position (GRCh38, 1-based): chr2:119,611,749, A>G. VCF-style: chr2-119611749-A-G. GRCh37 (hg19) VCF-style: chr2-120369325-A-G.
Identifiers: ClinVar variation 3388851 (VCV003388851.14).

ClinVar aggregate classification (germline): Likely benign (1 of 4 stars; one submission).

gnomAD v4.1: 55 of 1,601,730 alleles (0.0034%); highest among the groups gnomAD compares: Middle Eastern, 0.16%; 1 homozygote.

Submission:

CeGaT Center for Human Genetics Tuebingen
Classification: Likely benign. Last evaluated: 2024-11-01. Review status: criteria provided, single submitter. Criteria: CeGaT Center For Human Genetics Tuebingen Variant Classification Criteria Version 2. Collection method: clinical testing. Allele origin: germline. Affected: yes. Observed: 1 variant allele.
Comment: CFAP221: BP4